The following is an entry in ClinVar:

NM_002878.4(RAD51D):c.164G>T (p.Arg55Leu)

Genes: RAD51D (RAD51 paralog D; minus strand), RAD51L3-RFFL (RAD51L3-RFFL readthrough; minus strand). Cytogenetic location: 17q12.
Variant type: single nucleotide variant.
Coding change: c.164G>T on transcript NM_002878.4 (MANE Select); coding-DNA position 164, G replaced by T.
Protein change: p.Arg55Leu; replaces arginine 55 with leucine.
Molecular consequence: missense variant. On other transcripts: intron variant (2).
Genome position (GRCh38, 1-based): chr17:35,118,600, C>A on the plus strand (G>T on the coding strand, the complement: RAD51D is on the minus strand). VCF-style: chr17-35118600-C-A. GRCh37 (hg19) VCF-style: chr17-33445619-C-A.
Other names: c.144+511G>T (NM_133629.3, NM_001142571.2); short protein forms R55L.
Identifiers: ClinVar variation 1442102 (VCV001442102.8), dbSNP rs151198586, ClinGen allele CA399091552.

ClinVar aggregate classification (germline): Uncertain significance (1 of 4 stars; one submission).

Conditions:
Breast-ovarian cancer, familial, susceptibility to, 4. Identifiers: Orphanet 145, MedGen C3280345, MONDO:0013669, OMIM 614291.

gnomAD v4.1: 1 of 1,614,214 alleles (0.000062%); highest among the groups gnomAD compares: Non-Finnish European, 0.000085%; no homozygotes.

Submission:

Labcorp Genetics (formerly Invitae), Labcorp
Classification: Uncertain significance for Breast-ovarian cancer, familial, susceptibility to, 4. Last evaluated: 2021-06-03. Review status: criteria provided, single submitter. Criteria: Invitae Variant Classification Sherloc (09022015). Collection method: clinical testing. Allele origin: germline.
Comment: This sequence change replaces arginine with leucine at codon 55 of the RAD51D protein (p.Arg55Leu). The arginine residue is moderately conserved and there is a moderate physicochemical difference between arginine and leucine. This variant is not present in population databases (ExAC no frequency). This variant has not been reported in the literature in individuals with RAD51D-related conditions. Algorithms developed to predict the effect of missense changes on protein structure and function are either unavailable or do not agree on the potential impact of this missense change (SIFT: "Deleterious"; PolyPhen-2: "Possibly Damaging"; Align-GVGD: "Class C15"). In summary, the available evidence is currently insufficient to determine the role of this variant in disease. Therefore, it has been classified as a Variant of Uncertain Significance.